The following is an entry in ClinVar:

ClinVar aggregate classification (germline): Pathogenic. Review status: criteria provided, multiple submitters, no conflicts (2 of 4 stars). 3 submissions from 3 submitters: Pathogenic (3). Last evaluated 2025-04-28.

Conditions:
Hereditary cancer-predisposing syndrome. Also called: Hereditary Cancer Syndrome; Hereditary neoplastic syndrome; Tumor predisposition; Neoplastic Syndromes, Hereditary. Identifiers: Orphanet 140162, MedGen C0027672, MeSH D009386, MONDO:0015356.
Cardiovascular phenotype. Identifiers: MedGen CN230736.
Neurofibromatosis, type 1 (NF1). Also called: NEUROFIBROMATOSIS, TYPE I, SOMATIC; VON RECKLINGHAUSEN DISEASE; Neurofibromatosis, type I; Peripheral type neurofibromatosis. Identifiers: Orphanet 636, MedGen C0027831, MONDO:0018975, OMIM 162200. Disease mechanism: loss of function.

Submissions (3):

Ambry Genetics
Classification: Pathogenic for Cardiovascular phenotype; Hereditary cancer-predisposing syndrome. Last evaluated: 2025-04-28. Review status: criteria provided, single submitter. Criteria: Ambry Variant Classification Scheme 2023. Collection method: clinical testing. Allele origin: germline.
Comment: The c.3496+1G>A intronic pathogenic mutation results from a G to A substitution one nucleotide after coding exon 26 of the NF1 gene. This variant was reported in individual(s) with features consistent with neurofibromatosis type 1 (Giugliano T et al. Genes (Basel), 2019 Jul;10:). This nucleotide position is highly conserved in available vertebrate species. In silico splice site analysis predicts that this alteration will weaken the native splice donor site. RNA studies have demonstrated that this alteration results in skipping of exon 26 (Wimmer K et al. Hum Mutat, 2007 Jun;28:599-612; Giugliano T et al. Genes (Basel), 2019 Jul;10:; Ambry internal data). Other variant(s) impacting the same donor site (c.3496G>A, c.3496G>C) have been shown to have a similar impact on splicing in individual(s) with features consistent with neurofibromatosis type 1 (Xu W et al. Int J Mol Med, 2014 Jul;34:53-60; Ambry internal data). c.3496+1G>A is considered to be rare based on population cohorts in the Genome Aggregation Database (gnomAD). Based on the supporting evidence, this variant is interpreted as a disease-causing mutation.

GeneDx
Classification: Pathogenic. Last evaluated: 2022-08-29. Review status: criteria provided, single submitter. Criteria: GeneDx Variant Classification Process June 2021. Collection method: clinical testing. Allele origin: germline. Affected: yes.
Comment: Canonical splice site variant predicted to result in a null allele, confirmed via RT-PCR and a minigene assay, in a gene for which loss-of-function is a known mechanism of disease (Giugliano et al., 2019; Morbidoni et al., 2021); Not observed in large population cohorts (gnomAD); Also known as IVS20+1G>A; This variant is associated with the following publications: (PMID: 17311297, 31370276, 31766501, 33673681)

Labcorp Genetics (formerly Invitae), Labcorp
Classification: Pathogenic for Neurofibromatosis, type 1. Last evaluated: 2021-06-28. Review status: criteria provided, single submitter. Criteria: Invitae Variant Classification Sherloc (09022015). Collection method: clinical testing. Allele origin: germline.
Comment: This sequence change affects a donor splice site in intron 26 of the NF1 gene. It is expected to disrupt RNA splicing. Variants that disrupt the donor or acceptor splice site typically lead to a loss of protein function (PMID: 16199547), and loss-of-function variants in NF1 are known to be pathogenic (PMID: 10712197, 23913538). This variant is not present in population databases (ExAC no frequency). Disruption of this splice site has been observed in individual(s) with neurofibromatosis type 1 (PMID: 31370276, 10712197, 9544853). Algorithms developed to predict the effect of sequence changes on RNA splicing suggest that this variant may disrupt the consensus splice site, but this prediction has not been confirmed by published transcriptional studies. For these reasons, this variant has been classified as Pathogenic.

Literature cited by the submitters: PubMed 17311297 (cited by Ambry Genetics); PubMed 31370276 (cited by Ambry Genetics and Labcorp Genetics (formerly Invitae), Labcorp); PubMed 16199547 (cited by Labcorp Genetics (formerly Invitae), Labcorp); PubMed 10712197 (cited by Labcorp Genetics (formerly Invitae), Labcorp); PubMed 23913538 (cited by Labcorp Genetics (formerly Invitae), Labcorp); PubMed 9544853 (cited by Labcorp Genetics (formerly Invitae), Labcorp).

NM_001042492.3(NF1):c.3496+1G>A

Gene: NF1 (neurofibromin 1; plus strand). Cytogenetic location: 17q11.2.
Variant type: single nucleotide variant.
Coding change: c.3496+1G>A on transcript NM_001042492.3 (MANE Select); the canonical splice donor site of the intron after coding-DNA position 3496, G replaced by A.
Molecular consequence: splice donor variant.
Genome position (GRCh38, 1-based): chr17:31,232,882, G>A. VCF-style: chr17-31232882-G-A. GRCh37 (hg19) VCF-style: chr17-29559900-G-A.
Other names: c.3496+1G>A (NM_000267.4).
Identifiers: ClinVar variation 1359259 (VCV001359259.12), dbSNP rs2067138719, ClinGen allele CA398989549.